The following is an entry in ClinVar:

ClinVar aggregate classification (germline): Likely benign. Review status: criteria provided, multiple submitters, no conflicts (2 of 4 stars). 4 submissions from 4 submitters: Likely benign (3). 1 of the submissions does not count toward it. Last evaluated 2025-12-22.

Conditions:
Creatine transporter deficiency (CCDS1). Also called: Mental retardation , X-linked with seizures, short stature and midface hypoplasia; Mental retardation , X-linked, with creatine transport deficiency; X-linked creatine transporter deficiency; X-linked creatine deficiency syndrome; SLC6A8-Related Creatine Transporter Deficiency; CREATINE TRANSPORTER DEFECT. Identifiers: Orphanet 52503, MedGen C1845862, MONDO:0010305, OMIM 300352.
SLC6A8-related disorder. Also called: SLC6A8-related condition.

Allele frequency attached by ClinVar (database versions not stated): ExAC 0.00006; gnomAD exomes 0.00008 and 0.00021; TOPMed 0.00012; gnomAD 0.00013; ESP Exome Variant Server 0.00019.
gnomAD v4.1: 249 of 1,208,619 alleles (0.021%); highest among the groups gnomAD compares: Non-Finnish European, 0.025%; no homozygotes.

Submissions (4):

Labcorp Genetics (formerly Invitae), Labcorp
Classification: Likely benign for Creatine transporter deficiency. Last evaluated: 2025-12-22. Review status: criteria provided, single submitter. Criteria: Invitae Variant Classification Sherloc (09022015). Collection method: clinical testing. Allele origin: germline.

Blueprint Genetics
Classification: Likely benign. Last evaluated: 2024-10-17. Review status: criteria provided, single submitter. Criteria: ACMG Guidelines, 2015. Collection method: clinical testing. Allele origin: germline.

GeneDx
Classification: Likely benign. Last evaluated: 2019-06-06. Review status: criteria provided, single submitter. Criteria: GeneDx Variant Classification Process June 2021. Collection method: clinical testing. Allele origin: germline. Affected: yes.

PreventionGenetics, part of Exact Sciences
Classification: Likely benign for SLC6A8-related condition. Last evaluated: 2019-05-10. Review status: no assertion criteria provided. Collection method: clinical testing. Allele origin: germline. Not counted in ClinVar's aggregate classification.
Comment: This variant is classified as likely benign based on ACMG/AMP sequence variant interpretation guidelines (Richards et al. 2015 PMID: 25741868, with internal and published modifications).

NM_005629.4(SLC6A8):c.1281C>T (p.Thr427=)

Gene: SLC6A8 (solute carrier family 6 member 8; plus strand). Cytogenetic location: Xq28.
Variant type: single nucleotide variant.
Coding change: c.1281C>T on transcript NM_005629.4 (MANE Select); coding-DNA position 1281, C replaced by T.
Protein change: p.Thr427=; no amino-acid change (threonine 427 retained).
Molecular consequence: synonymous variant.
Genome position (GRCh38, 1-based): chrX:153,694,156, C>T. VCF-style: chrX-153694156-C-T. GRCh37 (hg19) VCF-style: chrX-152959611-C-T.
Other names: c.1251C>T, p.Thr417= (NM_001142805.2); c.936C>T, p.Thr312= (NM_001142806.1).
Identifiers: ClinVar variation 384631 (VCV000384631.17), dbSNP rs368950125, ClinGen allele CA10549482.